The following is an entry in ClinVar:

ClinVar aggregate classification (germline): Likely benign. Review status: criteria provided, multiple submitters, no conflicts (2 of 4 stars). 2 submissions from 2 submitters: Likely benign (2). Last evaluated 2025-01-03.

Conditions:
RAI1-related disorder. Also called: RAI1-related condition.

Allele frequency attached by ClinVar (database versions not stated): TOPMed 0.00001; gnomAD exomes 0.00002 and 0.00004; ExAC 0.00006.
gnomAD v4.1: 34 of 1,611,070 alleles (0.0021%); highest among the groups gnomAD compares: South Asian, 0.023%; no homozygotes.

Submissions (2):

PreventionGenetics, part of Exact Sciences
Classification: Likely benign for RAI1-related condition. Last evaluated: 2025-01-03. Review status: criteria provided, single submitter. Criteria: ACMG Guidelines, 2015. Collection method: clinical testing. Allele origin: germline.
Comment: This variant is classified as likely benign based on ACMG/AMP sequence variant interpretation guidelines (Richards et al. 2015 PMID: 25741868, with internal and published modifications).

Labcorp Genetics (formerly Invitae), Labcorp
Classification: Likely benign. Last evaluated: 2024-01-22. Review status: criteria provided, single submitter. Criteria: Invitae Variant Classification Sherloc (09022015). Collection method: clinical testing. Allele origin: germline.

NM_030665.4(RAI1):c.3858C>T (p.Gly1286=)

Gene: RAI1 (retinoic acid induced 1; plus strand). Cytogenetic location: 17p11.2.
Variant type: single nucleotide variant.
Coding change: c.3858C>T on transcript NM_030665.4 (MANE Select); coding-DNA position 3858, C replaced by T.
Protein change: p.Gly1286=; no amino-acid change (glycine 1286 retained).
Molecular consequence: synonymous variant.
Genome position (GRCh38, 1-based): chr17:17,796,806, C>T. VCF-style: chr17-17796806-C-T. GRCh37 (hg19) VCF-style: chr17-17700120-C-T.
Other names: c.3858C>T (NM_030665.3).
Identifiers: ClinVar variation 1389601 (VCV001389601.7), dbSNP rs765492844, ClinGen allele CA8418840.